The following is an entry in ClinVar:

NM_000465.4(BARD1):c.2104_2111del (p.Gln701_Ile702insTer)

Gene: BARD1 (BRCA1 associated RING domain 1; minus strand). Cytogenetic location: 2q35.
Variant type: Deletion.
Coding change: c.2104_2111del on transcript NM_000465.4 (MANE Select); coding-DNA positions 2104 to 2111, 8 bases deleted (ATCCTCAG; older notation c.2104_2111delATCCTCAG).
Protein change: p.Gln701_Ile702insTer.
Molecular consequence: nonsense. On other transcripts: non-coding transcript variant (3).
Genome position (GRCh38, 1-based): chr2:214,728,899-214,728,906, CTGAGGAT deleted on the plus strand (ATCCTCAG on the coding strand, the reverse complement: BARD1 is on the minus strand); deleting any 8 consecutive bases within chr2:214,728,899-214,728,909 gives the same sequence; the c. name uses the placement nearest the transcript's 3' end. VCF-style (leftmost placement, unchanged base first): chr2-214728898-ACTGAGGAT-A. GRCh37 (hg19) VCF-style: chr2-215593622-ACTGAGGAT-A.
Other names: c.2047_2054del, p.Gln682_Ile683insTer (NM_001282543.2); c.751_758del, p.Gln250_Ile251insTer (NM_001282545.2); c.694_701del, p.Gln231_Ile232insTer (NM_001282548.2); c.565_572del, p.Gln188_Ile189insTer (NM_001282549.2).
Identifiers: ClinVar variation 2583694 (VCV002583694.4), dbSNP rs2469270376, ClinGen allele CA2582342084.
Genomic context (GRCh38, chr2:214,728,898, plus strand): 5'-CGCATGGTATGCGACTGTATTGATGGTCTGAGTCACGTCACTGTCTGGCTTGGGCTTTCT[ACTGAGGAT>A]CTGGCCCCCACCTGCAGTGACGAGCTTAATAAGGTTGTCCTTTGGATGGTGTTTGAAGGT-3'

ClinVar aggregate classification (germline): Pathogenic/Likely pathogenic. Review status: criteria provided, multiple submitters, no conflicts (2 of 4 stars). 2 submissions from 2 submitters: Pathogenic (1); Likely pathogenic (1). Last evaluated 2025-02-02.

Conditions:
Familial cancer of breast. Also called: Hereditary breast cancer; BREAST CANCER, FAMILIAL; hereditary breast carcinoma. Identifiers: Orphanet 227535, MedGen C0346153, MONDO:0016419, OMIM 114480. Disease mechanism: loss of function.

Submissions (2):

Labcorp Genetics (formerly Invitae), Labcorp
Classification: Likely pathogenic for Familial cancer of breast. Last evaluated: 2025-02-02. Review status: criteria provided, single submitter. Criteria: Invitae Variant Classification Sherloc (09022015). Collection method: clinical testing. Allele origin: germline.
Comment: This sequence change creates a premature translational stop signal (p.Ile702*) in the BARD1 gene. While this is not anticipated to result in nonsense mediated decay, it is expected to disrupt the last 76 amino acid(s) of the BARD1 protein. This variant is not present in population databases (gnomAD no frequency). This variant has not been reported in the literature in individuals affected with BARD1-related conditions. ClinVar contains an entry for this variant (Variation ID: 2583694). This variant disrupts the C-terminal BRCT domain of BARD1 protein, which is required for chromosome stability and homology-directed repair (PMID: 17848578). A different variant (p.Val767fs) that lies downstream of this variant has been reported to affect BARD1 protein function (PMID: 30925164), this suggests that disruption of this region of the protein is causative of disease. In summary, the currently available evidence indicates that the variant is pathogenic, but additional data are needed to prove that conclusively. Therefore, this variant has been classified as Likely Pathogenic.

Myriad Genetics, Inc.
Classification: Pathogenic for Familial cancer of breast. Last evaluated: 2023-05-25. Review status: criteria provided, single submitter. Criteria: Myriad Autosomal Dominant, Autosomal Recessive and X-Linked Classification Criteria (2023). Collection method: clinical testing. Allele origin: unknown.
Comment: This variant is considered pathogenic. This variant creates a termination codon and is predicted to result in premature protein truncation.

Literature cited by the submitters: PubMed 17848578 (cited by Labcorp Genetics (formerly Invitae), Labcorp); PubMed 30925164 (cited by Labcorp Genetics (formerly Invitae), Labcorp).